The following is an entry in ClinVar:

NM_002087.4(GRN):c.1267G>A (p.Val423Met)

Gene: GRN (granulin precursor; plus strand). Cytogenetic location: 17q21.31.
Variant type: single nucleotide variant.
Coding change: c.1267G>A on transcript NM_002087.4 (MANE Select); coding-DNA position 1267, G replaced by A.
Protein change: p.Val423Met; replaces valine 423 with methionine.
Molecular consequence: missense variant.
Genome position (GRCh38, 1-based): chr17:44,352,102, G>A. VCF-style: chr17-44352102-G-A. GRCh37 (hg19) VCF-style: chr17-42429470-G-A.
Other names: c.1267G>A (NM_002087.3); short protein forms V423M.
Identifiers: ClinVar variation 2041723 (VCV002041723.6), dbSNP rs138004785, ClinGen allele CA8602160.

ClinVar aggregate classification (germline): Uncertain significance. Review status: criteria provided, single submitter (1 of 4 stars). 2 submissions from 2 submitters: Uncertain significance (1). 1 of the submissions does not count toward it. Last evaluated 2026-01-08.

Conditions:
GRN-related disorder. Also called: GRN-related disorders; GRN-related condition.
GRN-related frontotemporal lobar degeneration with Tdp43 inclusions (FTD2). Also called: DEMENTIA, HEREDITARY DYSPHASIC DISINHIBITION; GRN Frontotemporal Dementia; FRONTOTEMPORAL DEMENTIA WITH TDP43 INCLUSIONS, GRN-RELATED; FRONTOTEMPORAL LOBAR DEGENERATION WITH UBIQUITIN-POSITIVE INCLUSIONS; FTLD-TDP, GRN-RELATED. Identifiers: Orphanet 100070, Orphanet 282, MedGen C1843792, MONDO:0011842, OMIM 607485. Disease mechanism: loss of function.
Neuronal ceroid lipofuscinosis 11. Also called: GRN-Related Neuronal Ceroid-Lipofuscinosis. Identifiers: Orphanet 314629, Orphanet 79262, MedGen C3539123, MONDO:0013866, OMIM 614706.

Allele frequency attached by ClinVar (database versions not stated): gnomAD exomes 0.00001; TOPMed 0.00001; ExAC 0.00002; ESP Exome Variant Server 0.00008.
gnomAD v4.1: 13 of 1,613,852 alleles (0.00081%); highest among the groups gnomAD compares: South Asian, 0.0011%; no homozygotes.

Submissions (2):

Labcorp Genetics (formerly Invitae), Labcorp
Classification: Uncertain significance for Neuronal ceroid lipofuscinosis 11; GRN-related frontotemporal lobar degeneration with Tdp43 inclusions. Last evaluated: 2026-01-08. Review status: criteria provided, single submitter. Criteria: Invitae Variant Classification Sherloc (09022015). Collection method: clinical testing. Allele origin: germline.
Comment: This sequence change replaces valine, which is neutral and non-polar, with methionine, which is neutral and non-polar, at codon 423 of the GRN protein (p.Val423Met). This variant is present in population databases (rs138004785, gnomAD 0.003%). This variant has not been reported in the literature in individuals affected with GRN-related conditions. ClinVar contains an entry for this variant (Variation ID: 2041723). Invitae Evidence Modeling of protein sequence and biophysical properties (such as structural, functional, and spatial information, amino acid conservation, physicochemical variation, residue mobility, and thermodynamic stability) indicates that this missense variant is not expected to disrupt GRN protein function with a negative predictive value of 80%. In summary, the available evidence is currently insufficient to determine the role of this variant in disease. Therefore, it has been classified as a Variant of Uncertain Significance.

PreventionGenetics, part of Exact Sciences
Classification: Uncertain significance for GRN-related condition. Last evaluated: 2024-02-11. Review status: no assertion criteria provided. Collection method: clinical testing. Allele origin: germline. Not counted in ClinVar's aggregate classification.
Comment: The GRN c.1267G>A variant is predicted to result in the amino acid substitution p.Val423Met. To our knowledge, this variant has not been reported in the literature. This variant is reported in 0.0029% of alleles in individuals of Latino descent in gnomAD. At this time, the clinical significance of this variant is uncertain due to the absence of conclusive functional and genetic evidence.